The following is an entry in ClinVar:

ClinVar aggregate classification (germline): Uncertain significance. Review status: criteria provided, single submitter (1 of 4 stars). 2 submissions from 2 submitters: Uncertain significance (1). 1 of the submissions does not count toward it. Last evaluated 2025-05-01.

Conditions:
SLC24A4-related disorder. Also called: SLC24A4-related condition.
Inborn genetic diseases. Identifiers: MedGen C0950123, MeSH D030342.

gnomAD v4.1: 15 of 1,614,078 alleles (0.00093%); highest among the groups gnomAD compares: South Asian, 0.0088%; no homozygotes.

Submissions (2):

Ambry Genetics
Classification: Uncertain significance for Inborn genetic diseases. Last evaluated: 2025-05-01. Review status: criteria provided, single submitter. Criteria: Ambry Variant Classification Scheme 2023. Collection method: clinical testing. Allele origin: germline.

PreventionGenetics, part of Exact Sciences
Classification: Uncertain significance for SLC24A4-related condition. Last evaluated: 2024-03-15. Review status: no assertion criteria provided. Collection method: clinical testing. Allele origin: germline. Not counted in ClinVar's aggregate classification.
Comment: The SLC24A4 c.524G>T variant is predicted to result in the amino acid substitution p.Gly175Val. To our knowledge, this variant has not been reported in the literature. This variant is reported in 0.0065% of alleles in individuals of South Asian descent in gnomAD. At this time, the clinical significance of this variant is uncertain due to the absence of conclusive functional and genetic evidence.

NM_153646.4(SLC24A4):c.524G>T (p.Gly175Val)

Gene: SLC24A4 (solute carrier family 24 member 4; plus strand). Cytogenetic location: 14q32.12.
Variant type: single nucleotide variant.
Coding change: c.524G>T on transcript NM_153646.4 (MANE Select); coding-DNA position 524, G replaced by T.
Protein change: p.Gly175Val; replaces glycine 175 with valine.
Molecular consequence: missense variant.
Genome position (GRCh38, 1-based): chr14:92,442,758, G>T. VCF-style: chr14-92442758-G-T. GRCh37 (hg19) VCF-style: chr14-92909102-G-T.
Other names: c.524G>T, p.Gly175Val (NM_001378620.1, NM_001425254.1, NM_153647.4); c.332G>T, p.Gly111Val (NM_153648.4); short protein forms G111V, G175V.
Identifiers: ClinVar variation 3358550 (VCV003358550.2).